The following is an entry in ClinVar:

ClinVar aggregate classification (germline): Uncertain significance (1 of 4 stars; one submission).

Conditions:
Nephronophthisis. Also called: Juvenile Nephronophthisis. Identifiers: Orphanet 655, MedGen C0687120, MONDO:0019005, HP:0000090.

Submission:

Labcorp Genetics (formerly Invitae), Labcorp
Classification: Uncertain significance for Nephronophthisis. Last evaluated: 2022-08-31. Review status: criteria provided, single submitter. Criteria: Invitae Variant Classification Sherloc (09022015). Collection method: clinical testing. Allele origin: germline.
Comment: This sequence change replaces lysine, which is basic and polar, with threonine, which is neutral and polar, at codon 418 of the IQCB1 protein (p.Lys418Thr). This variant is not present in population databases (gnomAD no frequency). This variant has not been reported in the literature in individuals affected with IQCB1-related conditions. Algorithms developed to predict the effect of missense changes on protein structure and function are either unavailable or do not agree on the potential impact of this missense change (SIFT: "Deleterious"; PolyPhen-2: "Possibly Damaging"; Align-GVGD: "Class C0"). In summary, the available evidence is currently insufficient to determine the role of this variant in disease. Therefore, it has been classified as a Variant of Uncertain Significance.

NM_001023570.4(IQCB1):c.1253A>C (p.Lys418Thr)

Gene: IQCB1 (IQ motif containing B1; minus strand). Cytogenetic location: 3q13.33.
Variant type: single nucleotide variant.
Coding change: c.1253A>C on transcript NM_001023570.4 (MANE Select); coding-DNA position 1253, A replaced by C.
Protein change: p.Lys418Thr; replaces lysine 418 with threonine.
Molecular consequence: missense variant. On other transcripts: non-coding transcript variant (1).
Genome position (GRCh38, 1-based): chr3:121,788,309, T>G on the plus strand (A>C on the coding strand, the complement: IQCB1 is on the minus strand). VCF-style: chr3-121788309-T-G. GRCh37 (hg19) VCF-style: chr3-121507156-T-G.
Other names: c.854A>C, p.Lys285Thr (NM_001023571.4); c.1253A>C, p.Lys418Thr (NM_001319107.2); short protein forms K285T, K418T.
Identifiers: ClinVar variation 2083158 (VCV002083158.4), dbSNP rs2472402767, ClinGen allele CA354115442.